The following is an entry in ClinVar:

ClinVar aggregate classification (germline): Uncertain significance. Review status: criteria provided, multiple submitters, no conflicts (2 of 4 stars). 4 submissions from 4 submitters: Uncertain significance (4). Last evaluated 2026-07-14.

Conditions:
OTOG-related disorder. Also called: OTOG-related condition.

Allele frequency attached by ClinVar (database versions not stated): ExAC 0.00006; TOPMed 0.00011; gnomAD 0.00012 and 0.00014.
gnomAD v4.1: 237 of 1,550,434 alleles (0.015%); highest among the groups gnomAD compares: Non-Finnish European, 0.019%; no homozygotes.

Submissions (4):

PreventionGenetics, part of Exact Sciences
Classification: Uncertain significance for OTOG-related condition. Last evaluated: 2026-07-14. Review status: criteria provided, single submitter. Criteria: ACMG Guidelines, 2015. Collection method: clinical testing. Allele origin: germline.
Comment: The OTOG c.3395T>C variant is predicted to result in the amino acid substitution p.Leu1132Pro. To our knowledge, this variant has not been reported in the literature. This variant is reported in 0.023% of alleles in individuals of Ashkenazi Jewish descent in gnomAD. At this time, the clinical significance of this variant is uncertain due to the absence of conclusive functional and genetic evidence.

GeneDx
Classification: Uncertain significance. Last evaluated: 2026-01-20. Review status: criteria provided, single submitter. Criteria: GeneDx Variant Classification Process June 2021. Collection method: clinical testing. Allele origin: germline. Affected: yes.
Comment: In silico analysis supports that this missense variant has a deleterious effect on protein structure/function; Has not been previously published as pathogenic or benign to our knowledge

Labcorp Genetics (formerly Invitae), Labcorp
Classification: Uncertain significance. Last evaluated: 2024-10-29. Review status: criteria provided, single submitter. Criteria: Invitae Variant Classification Sherloc (09022015). Collection method: clinical testing. Allele origin: germline.
Comment: This sequence change replaces leucine, which is neutral and non-polar, with proline, which is neutral and non-polar, at codon 1132 of the OTOG protein (p.Leu1132Pro). This variant is present in population databases (rs757588809, gnomAD 0.02%). This variant has not been reported in the literature in individuals affected with OTOG-related conditions. ClinVar contains an entry for this variant (Variation ID: 517377). An algorithm developed to predict the effect of missense changes on protein structure and function (PolyPhen-2) suggests that this variant is likely to be disruptive. In summary, the available evidence is currently insufficient to determine the role of this variant in disease. Therefore, it has been classified as a Variant of Uncertain Significance.

Laboratory for Molecular Medicine, Mass General Brigham Personalized Medicine
Classification: Uncertain significance. Last evaluated: 2017-05-16. Review status: criteria provided, single submitter. Criteria: LMM Criteria. Collection method: clinical testing. Allele origin: germline. Observed: 1 variant allele.
Comment: The p.Leu1132Pro variant in OTOG has not been previously reported in individuals with hearing loss, but has been identified in 12/67064 European chromosomes by the Genome Aggregation Database (gnomAD; dbSNP rs757588809). Although this variant has been seen in the general population, it s frequency is not high enough to rule out a pathogenic role. Computational pred iction tools and conservation analysis suggest that this variant may impact the protein, though this information is not predictive enough to determine pathogeni city. In summary, the clinical significance of the p.Leu1132Pro variant is uncer tain.

NM_001292063.2(OTOG):c.3359T>C (p.Leu1120Pro)

Gene: OTOG (otogelin; plus strand). Cytogenetic location: 11p15.1.
Variant type: single nucleotide variant.
Coding change: c.3359T>C on transcript NM_001292063.2 (MANE Select); coding-DNA position 3359, T replaced by C.
Protein change: p.Leu1120Pro; replaces leucine 1120 with proline.
Molecular consequence: missense variant.
Genome position (GRCh38, 1-based): chr11:17,594,117, T>C. VCF-style: chr11-17594117-T-C. GRCh37 (hg19) VCF-style: chr11-17615664-T-C.
Other names: c.3395T>C, p.Leu1132Pro (NM_001277269.2); short protein forms L1132P, L1120P.
Identifiers: ClinVar variation 517377 (VCV000517377.16), dbSNP rs757588809, ClinGen allele CA5905727.